The following is an entry in ClinVar:

NM_000143.4(FH):c.647A>C (p.Asp216Ala)

Gene: FH (fumarate hydratase; minus strand). Cytogenetic location: 1q43.
Variant type: single nucleotide variant.
Coding change: c.647A>C on transcript NM_000143.4 (MANE Select); coding-DNA position 647, A replaced by C.
Protein change: p.Asp216Ala; replaces aspartic acid 216 with alanine.
Molecular consequence: missense variant.
Genome position (GRCh38, 1-based): chr1:241,508,694, T>G on the plus strand (A>C on the coding strand, the complement: FH is on the minus strand). VCF-style: chr1-241508694-T-G. GRCh37 (hg19) VCF-style: chr1-241671994-T-G.
Other names: short protein forms D216A.
Identifiers: ClinVar variation 2765380 (VCV002765380.3), dbSNP rs1553341348, ClinGen allele CA345439318.

ClinVar aggregate classification (germline): Uncertain significance (1 of 4 stars; one submission).

Submission:

Labcorp Genetics (formerly Invitae), Labcorp
Classification: Uncertain significance. Last evaluated: 2023-10-04. Review status: criteria provided, single submitter. Criteria: Invitae Variant Classification Sherloc (09022015). Collection method: clinical testing. Allele origin: germline.
Comment: This sequence change replaces aspartic acid, which is acidic and polar, with alanine, which is neutral and non-polar, at codon 216 of the FH protein (p.Asp216Ala). This variant is not present in population databases (gnomAD no frequency). This variant has not been reported in the literature in individuals affected with FH-related conditions. Advanced modeling of protein sequence and biophysical properties (such as structural, functional, and spatial information, amino acid conservation, physicochemical variation, residue mobility, and thermodynamic stability) performed at Invitae indicates that this missense variant is not expected to disrupt FH protein function. In summary, the available evidence is currently insufficient to determine the role of this variant in disease. Therefore, it has been classified as a Variant of Uncertain Significance.